The following is an entry in ClinVar:

ClinVar aggregate classification (germline): Pathogenic. Review status: criteria provided, multiple submitters, no conflicts (2 of 4 stars). 3 submissions from 3 submitters: Pathogenic (2). 1 of the submissions does not count toward it. Last evaluated 2026-01-12.

Conditions:
Galactosylceramide beta-galactosidase deficiency. Also called: Krabbe Disease; Leukodystrophy, Globoid Cell; GALACTOCEREBROSIDASE DEFICIENCY; GALC DEFICIENCY; GLOBOID CELL LEUKOENCEPHALOPATHY. Identifiers: Orphanet 487, MedGen C0023521, MONDO:0009499, OMIM 245200.

Allele frequency attached by ClinVar (database versions not stated): gnomAD exomes below 0.00001; TOPMed below 0.00001.

Submissions (3):

Women's Health and Genetics/Laboratory Corporation of America, LabCorp
Classification: Pathogenic for Galactosylceramide beta-galactosidase deficiency. Last evaluated: 2026-01-12. Review status: criteria provided, single submitter. Criteria: LabCorp Variant Classification Summary - May 2015. Collection method: clinical testing. Allele origin: germline.
Comment: Variant summary: GALC c.1153G>T (p.Glu385X) results in a premature termination codon, predicted to cause a truncation of the encoded protein or absence of the protein due to nonsense mediated decay, which are commonly known mechanisms for disease. The variant was absent in 249034 control chromosomes. c.1153G>T has been observed in at least 1 individual(s) affected with Krabbe Disease (example, Sakai_1994). The following publication has been ascertained in the context of this evaluation (PMID: 8297359). ClinVar contains an entry for this variant (Variation ID: 3818). Based on the evidence outlined above, the variant was classified as pathogenic.

Labcorp Genetics (formerly Invitae), Labcorp
Classification: Pathogenic for Galactosylceramide beta-galactosidase deficiency. Last evaluated: 2022-10-03. Review status: criteria provided, single submitter. Criteria: Invitae Variant Classification Sherloc (09022015). Collection method: clinical testing. Allele origin: germline.
Comment: For these reasons, this variant has been classified as Pathogenic. ClinVar contains an entry for this variant (Variation ID: 3818). This variant is also known as codon 369 (GAA>TAA). This premature translational stop signal has been observed in individual(s) with Krabbe disease (PMID: 8297359). This variant is not present in population databases (gnomAD no frequency). This sequence change creates a premature translational stop signal (p.Glu385*) in the GALC gene. It is expected to result in an absent or disrupted protein product. Loss-of-function variants in GALC are known to be pathogenic (PMID: 7437911, 9272171, 16607461).

OMIM
Classification: Pathogenic for KRABBE DISEASE. Last evaluated: 2010-12-01. Review status: no assertion criteria provided. Collection method: literature only. Allele origin: germline. Not counted in ClinVar's aggregate classification.

Literature cited by the submitters: PubMed 8297359 (cited by 3 submitters); PubMed 7437911 (cited by Labcorp Genetics (formerly Invitae), Labcorp); PubMed 9272171 (cited by Labcorp Genetics (formerly Invitae), Labcorp); PubMed 16607461 (cited by Labcorp Genetics (formerly Invitae), Labcorp); PubMed 20886637 (cited by OMIM).

NM_000153.4(GALC):c.1153G>T (p.Glu385Ter)

Gene: GALC (galactosylceramidase; minus strand). Cytogenetic location: 14q31.3.
Variant type: single nucleotide variant.
Coding change: c.1153G>T on transcript NM_000153.4 (MANE Select); coding-DNA position 1153, G replaced by T.
Protein change: p.Glu385Ter; replaces glutamic acid 385 with a stop codon.
Molecular consequence: nonsense.
Genome position (GRCh38, 1-based): chr14:87,963,392, C>A on the plus strand (G>T on the coding strand, the complement: GALC is on the minus strand). VCF-style: chr14-87963392-C-A. GRCh37 (hg19) VCF-style: chr14-88429736-C-A.
Other names: c.1084G>T, p.Glu362Ter (NM_001201401.2); c.1075G>T, p.Glu359Ter (NM_001201402.2); short protein forms E385*, E359*, E362*.
Identifiers: ClinVar variation 3818 (VCV000003818.8), dbSNP rs121908010, ClinGen allele CA252877.